The following is an entry in ClinVar:

ClinVar aggregate classification (germline): Uncertain significance. Review status: criteria provided, single submitter (1 of 4 stars). 2 submissions from 2 submitters: Uncertain significance (1). 1 of the submissions does not count toward it. Last evaluated 2024-02-21.

Conditions:
HOXA11-related disorder. Also called: HOXA11-related condition.

Allele frequency attached by ClinVar (database versions not stated): ExAC 0.00002; gnomAD 0.00003; TOPMed 0.00003.
gnomAD v4.1: 102 of 1,613,918 alleles (0.0063%); highest among the groups gnomAD compares: Non-Finnish European, 0.0082%; no homozygotes.

Submissions (2):

Ambry Genetics
Classification: Uncertain significance. Last evaluated: 2024-02-21. Review status: criteria provided, single submitter. Criteria: Ambry Variant Classification Scheme 2023. Collection method: clinical testing. Allele origin: germline.

PreventionGenetics, part of Exact Sciences
Classification: Uncertain significance for HOXA11-related condition. Last evaluated: 2024-06-26. Review status: no assertion criteria provided. Collection method: clinical testing. Allele origin: germline. Not counted in ClinVar's aggregate classification.
Comment: The HOXA11 c.222C>A variant is predicted to result in the amino acid substitution p.His74Gln. To our knowledge, this variant has not been reported in the literature. This variant is reported in 0.0047% of alleles in individuals of European (Non-Finnish) descent in gnomAD. At this time, the clinical significance of this variant is uncertain due to the absence of conclusive functional and genetic evidence.

NM_005523.6(HOXA11):c.222C>A (p.His74Gln)

Genes: HOXA11 (homeobox A11; minus strand), LOC107126281 (NUP98-HOXA11 recombination region; plus strand). Cytogenetic location: 7p15.2.
Variant type: single nucleotide variant.
Coding change: c.222C>A on transcript NM_005523.6 (MANE Select); coding-DNA position 222, C replaced by A.
Protein change: p.His74Gln; replaces histidine 74 with glutamine.
Molecular consequence: missense variant.
Genome position (GRCh38, 1-based): chr7:27,184,923, G>T on the plus strand (C>A on the coding strand, the complement: HOXA11 is on the minus strand). VCF-style: chr7-27184923-G-T. GRCh37 (hg19) VCF-style: chr7-27224542-G-T.
Other names: short protein forms H74Q.
Identifiers: ClinVar variation 3106550 (VCV003106550.2), dbSNP rs769200094, ClinGen allele CA4198478.